The following is an entry in ClinVar:

ClinVar aggregate classification (germline): Uncertain significance (1 of 4 stars; one submission).

Allele frequency attached by ClinVar (database versions not stated): gnomAD exomes below 0.00001.
gnomAD v4.1: 5 of 1,613,768 alleles (0.00031%); highest among the groups gnomAD compares: Non-Finnish European, 0.00042%; no homozygotes.

Submission:

Labcorp Genetics (formerly Invitae), Labcorp
Classification: Uncertain significance. Last evaluated: 2023-12-17. Review status: criteria provided, single submitter. Criteria: Invitae Variant Classification Sherloc (09022015). Collection method: clinical testing. Allele origin: germline.
Comment: This sequence change replaces proline, which is neutral and non-polar, with serine, which is neutral and polar, at codon 115 of the COL9A2 protein (p.Pro115Ser). This variant is not present in population databases (gnomAD no frequency). This variant has not been reported in the literature in individuals affected with COL9A2-related conditions. Advanced modeling of protein sequence and biophysical properties (such as structural, functional, and spatial information, amino acid conservation, physicochemical variation, residue mobility, and thermodynamic stability) performed at Invitae indicates that this missense variant is not expected to disrupt COL9A2 protein function with a negative predictive value of 95%. In summary, the available evidence is currently insufficient to determine the role of this variant in disease. Therefore, it has been classified as a Variant of Uncertain Significance.

NM_001852.4(COL9A2):c.343C>T (p.Pro115Ser)

Gene: COL9A2 (collagen type IX alpha 2 chain; minus strand). Cytogenetic location: 1p34.2.
Variant type: single nucleotide variant.
Coding change: c.343C>T on transcript NM_001852.4 (MANE Select); coding-DNA position 343, C replaced by T.
Protein change: p.Pro115Ser; replaces proline 115 with serine.
Molecular consequence: missense variant.
Genome position (GRCh38, 1-based): chr1:40,312,476, G>A on the plus strand (C>T on the coding strand, the complement: COL9A2 is on the minus strand). VCF-style: chr1-40312476-G-A. GRCh37 (hg19) VCF-style: chr1-40778148-G-A.
Other names: short protein forms P115S.
Identifiers: ClinVar variation 2805813 (VCV002805813.3), dbSNP rs755106661, ClinGen allele CA339857056.